The following is an entry in ClinVar:

NM_000069.3(CACNA1S):c.1264C>T (p.Arg422Cys)

Gene: CACNA1S (calcium voltage-gated channel subunit alpha1 S; minus strand). Cytogenetic location: 1q32.1.
Variant type: single nucleotide variant.
Coding change: c.1264C>T on transcript NM_000069.3 (MANE Select); coding-DNA position 1264, C replaced by T.
Protein change: p.Arg422Cys; replaces arginine 422 with cysteine.
Molecular consequence: missense variant.
Genome position (GRCh38, 1-based): chr1:201,083,291, G>A on the plus strand (C>T on the coding strand, the complement: CACNA1S is on the minus strand). VCF-style: chr1-201083291-G-A. GRCh37 (hg19) VCF-style: chr1-201052419-G-A.
Other names: short protein forms R422C.
Identifiers: ClinVar variation 3484068 (VCV003484068.4).

ClinVar aggregate classification (germline): Uncertain significance. Review status: criteria provided, multiple submitters, no conflicts (2 of 4 stars). 3 submissions from 3 submitters: Uncertain significance (3). Last evaluated 2025-01-16.

Conditions:
Inborn genetic diseases. Identifiers: MedGen C0950123, MeSH D030342.
Malignant hyperthermia, susceptibility to, 5 (MHS5). Also called: CACNA1S-Related Malignant Hyperthermia Susceptibility. Identifiers: Orphanet 423, MedGen C1866077, MONDO:0011163, OMIM 601887.
Hypokalemic periodic paralysis, type 1. Also called: Hypokalemic Periodic Paralysis Type 1 (AD); HypoPP. Identifiers: Orphanet 681, MedGen C3714580, MONDO:0042979, OMIM 170400.

Submissions (3):

Revvity Omics, Revvity
Classification: Uncertain significance. Last evaluated: 2025-01-16. Review status: criteria provided, single submitter. Criteria: ACMG Guidelines, 2015. Collection method: clinical testing. Allele origin: germline.

Ambry Genetics
Classification: Uncertain significance for Inborn genetic diseases. Last evaluated: 2024-12-02. Review status: criteria provided, single submitter. Criteria: Ambry Variant Classification Scheme 2023. Collection method: clinical testing. Allele origin: germline.

Labcorp Genetics (formerly Invitae), Labcorp
Classification: Uncertain significance for Hypokalemic periodic paralysis, type 1; Malignant hyperthermia, susceptibility to, 5. Last evaluated: 2024-11-25. Review status: criteria provided, single submitter. Criteria: Invitae Variant Classification Sherloc (09022015). Collection method: clinical testing. Allele origin: germline.
Comment: This sequence change replaces arginine, which is basic and polar, with cysteine, which is neutral and slightly polar, at codon 422 of the CACNA1S protein (p.Arg422Cys). This variant is present in population databases (rs779165102, gnomAD 0.02%). This variant has not been reported in the literature in individuals affected with CACNA1S-related conditions. Invitae Evidence Modeling of protein sequence and biophysical properties (such as structural, functional, and spatial information, amino acid conservation, physicochemical variation, residue mobility, and thermodynamic stability) has been performed for this missense variant. However, the output from this modeling did not meet the statistical confidence thresholds required to predict the impact of this variant on CACNA1S protein function. In summary, the available evidence is currently insufficient to determine the role of this variant in disease. Therefore, it has been classified as a Variant of Uncertain Significance.